The following is an entry in ClinVar:

NM_024426.6(WT1):c.191G>T (p.Arg64Leu)

Genes: WT1 (WT1 transcription factor; minus strand), LOC107982234 (WT1/WT1-AS bi-directional promoter region; plus strand). Cytogenetic location: 11p13.
Variant type: single nucleotide variant.
Coding change: c.191G>T on transcript NM_024426.6 (MANE Select); coding-DNA position 191, G replaced by T.
Protein change: p.Arg64Leu; replaces arginine 64 with leucine.
Molecular consequence: missense variant. On other transcripts: non-coding transcript variant (2).
Genome position (GRCh38, 1-based): chr11:32,435,170, C>A on the plus strand (G>T on the coding strand, the complement: WT1 is on the minus strand). VCF-style: chr11-32435170-C-A. GRCh37 (hg19) VCF-style: chr11-32456716-C-A.
Other names: c.191G>T, p.Arg64Leu (NM_000378.6, NM_001407044.1, NM_001407045.1 and 6 more transcripts); c.-29G>T (NM_001429031.1, NM_001429032.1, NM_001429033.1 and 1 more transcripts); c.176G>T, p.Arg59Leu (NM_024425.2); c.176G>T (NM_024426.4); short protein forms R59L, R64L.
Identifiers: ClinVar variation 3072645 (VCV003072645.2), dbSNP rs1853471149, ClinGen allele CA379966191.

ClinVar aggregate classification (germline): Uncertain significance. Review status: criteria provided, multiple submitters, no conflicts (2 of 4 stars). 2 submissions from 2 submitters: Uncertain significance (2). Last evaluated 2025-02-08.

Conditions:
Wilms tumor 1 (WT1). Also called: Wilms tumor, somatic. Identifiers: Orphanet 654, MedGen CN033288, MONDO:0008679, OMIM 194070.
Inborn genetic diseases. Identifiers: MedGen C0950123, MeSH D030342.

Submissions (2):

Ambry Genetics
Classification: Uncertain significance for Inborn genetic diseases. Last evaluated: 2025-02-08. Review status: criteria provided, single submitter. Criteria: Ambry Variant Classification Scheme 2023. Collection method: clinical testing. Allele origin: germline.
Comment: The p.R59L variant (also known as c.176G>T), located in coding exon 1 of the WT1 gene, results from a G to T substitution at nucleotide position 176. The arginine at codon 59 is replaced by leucine, an amino acid with dissimilar properties. This amino acid position is conserved. In addition, this alteration is predicted to be tolerated by in silico analysis. Based on the available evidence, the clinical significance of this variant remains unclear.

All of Us Research Program, National Institutes of Health
Classification: Uncertain significance for Wilms tumor 1. Last evaluated: 2023-08-15. Review status: criteria provided, single submitter. Criteria: ACMG Guidelines, 2015. Collection method: clinical testing. Allele origin: germline. Inheritance: Autosomal dominant inheritance. Observed: 1 variant allele, 1 heterozygote.
Comment: This study involves interpretation of variants in research participants for the purpose of population health screening. Participant phenotype was not available at the time of variant classification. Additional details can be found in publication PMID: 35346344, PMCID: PMC8962531